The following is an entry in ClinVar:

ClinVar aggregate classification (germline): Benign (1 of 4 stars; one submission).

Allele frequency attached by ClinVar (database versions not stated): 1000 Genomes Project 30x 0.75843; 1000 Genomes Project 0.76158; gnomAD exomes 0.79795; TOPMed 0.80581; gnomAD 0.81892.
gnomAD v4.1: 1,194,539 of 1,493,196 alleles (80%); highest among the groups gnomAD compares: African/African-American, 92%; 480,912 homozygotes.

Submission:

Unidad de Genómica Garrahan, Hospital de Pediatría Garrahan
Classification: Benign. Last evaluated: 2024-01-24. Review status: criteria provided, single submitter. Criteria: ACMG Guidelines, 2015. Collection method: clinical testing. Allele origin: germline. Affected: no. Observed: 40 variant alleles.
Comment: This variant is classified as Benign based on local population frequency. This variant was detected in 42% of patients studied by a panel of primary immunodeficiencies. Number of patients: 40. Only high quality variants are reported.

NM_014339.7(IL17RA):c.138+110T>A

Gene: IL17RA (interleukin 17 receptor A; plus strand). Cytogenetic location: 22q11.1.
Variant type: single nucleotide variant.
Coding change: c.138+110T>A on transcript NM_014339.7 (MANE Select); 110 bases into the intron after coding-DNA position 138, T replaced by A.
Molecular consequence: intron variant.
Genome position (GRCh38, 1-based): chr22:17,085,339, T>A. VCF-style: chr22-17085339-T-A. GRCh37 (hg19) VCF-style: chr22-17566229-T-A.
Other names: c.138+110T>A (NM_001289905.2).
Identifiers: ClinVar variation 2688175 (VCV002688175.2), dbSNP rs2270242, ClinGen allele CA14980093.